The following is an entry in ClinVar:

NM_000176.3(NR3C1):c.1130C>T (p.Ser377Phe)

Gene: NR3C1 (nuclear receptor subfamily 3 group C member 1; minus strand). Cytogenetic location: 5q31.3.
Variant type: single nucleotide variant.
Coding change: c.1130C>T on transcript NM_000176.3 (MANE Select); coding-DNA position 1130, C replaced by T.
Protein change: p.Ser377Phe; replaces serine 377 with phenylalanine.
Molecular consequence: missense variant.
Genome position (GRCh38, 1-based): chr5:143,399,710, G>A on the plus strand (C>T on the coding strand, the complement: NR3C1 is on the minus strand). VCF-style: chr5-143399710-G-A. GRCh37 (hg19) VCF-style: chr5-142779275-G-A.
Other names: c.1130C>T, p.Ser377Phe (NM_001018074.1, NM_001018075.1, NM_001018076.2 and 10 more transcripts); c.1052C>T, p.Ser351Phe (NM_001204258.2); c.875C>T, p.Ser292Phe (NM_001204259.2); c.863C>T, p.Ser288Phe (NM_001204260.2); c.839C>T, p.Ser280Phe (NM_001204261.2); c.185C>T, p.Ser62Phe (NM_001204262.2); c.140C>T, p.Ser47Phe (NM_001204263.2); c.125C>T, p.Ser42Phe (NM_001204264.2); short protein forms S292F, S47F, S62F, S280F, S288F, S377F, S42F, S351F.
Identifiers: ClinVar variation 1353940 (VCV001353940.8), dbSNP rs745857266, ClinGen allele CA3486956.

ClinVar aggregate classification (germline): Uncertain significance (1 of 4 stars; one submission).

Allele frequency attached by ClinVar (database versions not stated): gnomAD exomes 0.00001 and 0.00002; ExAC 0.00002; gnomAD 0.00002; TOPMed 0.00002.

Submission:

Labcorp Genetics (formerly Invitae), Labcorp
Classification: Uncertain significance. Last evaluated: 2021-06-04. Review status: criteria provided, single submitter. Criteria: Invitae Variant Classification Sherloc (09022015). Collection method: clinical testing. Allele origin: germline.
Comment: This variant has not been reported in the literature in individuals with NR3C1-related conditions. This variant is present in population databases (rs745857266, ExAC 0.006%). This sequence change replaces serine with phenylalanine at codon 377 of the NR3C1 protein (p.Ser377Phe). The serine residue is moderately conserved and there is a large physicochemical difference between serine and phenylalanine. Algorithms developed to predict the effect of missense changes on protein structure and function are either unavailable or do not agree on the potential impact of this missense change (SIFT: "Deleterious"; PolyPhen-2: "Possibly Damaging"; Align-GVGD: "Class C0"). In summary, the available evidence is currently insufficient to determine the role of this variant in disease. Therefore, it has been classified as a Variant of Uncertain Significance.